The following is an entry in ClinVar:

NM_007294.4(BRCA1):c.5516T>A (p.Leu1839Ter)

Gene: BRCA1 (BRCA1 DNA repair associated; minus strand). Cytogenetic location: 17q21.31.
Variant type: single nucleotide variant.
Coding change: c.5516T>A on transcript NM_007294.4 (MANE Select); coding-DNA position 5516, T replaced by A.
Protein change: p.Leu1839Ter; replaces leucine 1839 with a stop codon.
Molecular consequence: nonsense. On other transcripts: 3 prime UTR variant (1), non-coding transcript variant (1).
Genome position (GRCh38, 1-based): chr17:43,045,754, A>T on the plus strand (T>A on the coding strand, the complement: BRCA1 is on the minus strand). VCF-style: chr17-43045754-A-T. GRCh37 (hg19) VCF-style: chr17-41197771-A-T.
Other names: c.5516T>A, p.Leu1839Ter (NM_001407597.1, NM_001407598.1, NM_001407602.1 and 5 more transcripts); c.5513T>A, p.Leu1838Ter (NM_001407610.1, NM_001407611.1, NM_001407612.1 and 14 more transcripts); c.5129T>A, p.Leu1710Ter (NM_001407963.1); c.1961T>A, p.Leu654Ter (NM_001408495.1); c.1943T>A, p.Leu648Ter (NM_001408496.1, NM_001408497.1, NM_001408498.1 and 3 more transcripts); c.5054T>A, p.Leu1685Ter (NM_001407964.1); c.5009T>A, p.Leu1670Ter (NM_001407965.1); c.4628T>A, p.Leu1543Ter (NM_001407966.1); and 74 more; short protein forms L1839*, L1860*, L1792*, L735*, L1543*, L1726*, L1749*, L1790*.
Identifiers: ClinVar variation 867617 (VCV000867617.3), dbSNP rs398122702, ClinGen allele CA10590289.
Genomic context (GRCh38, chr17:43,045,754, plus strand): 5'-GGGATCTGGGGTATCAGGTAGGTGTCCAGCTCCTGGCACTGGTAGAGTGCTACACTGTCC[A>T]ACACCCACTCTCGGGTCACCACAGGTGCCTCACACATCTGCCCAATTGCTGGAGACAGAG-3'

Conditions:
Breast-ovarian cancer, familial, susceptibility to, 1 (BROVCA1). Also called: BRCA1 Hereditary Breast and Ovarian Cancer; OVARIAN CANCER, SUSCEPTIBILITY TO. Identifiers: Orphanet 145, MedGen C2676676, MONDO:0011450, OMIM 604370. Disease mechanism: loss of function.

Submission:

Brotman Baty Institute, University of Washington
No classification provided (evidence only). Condition: Breast-ovarian cancer, familial 1. Review status: no classification provided. Collection method: in vitro. Allele origin: not applicable. Functional consequence: functionally_abnormal.
ClinVar note: "not provided" was previously submitted as the classification for the variant. However, the classification appeared to be based only on an observation of functional data so it was converted to no classification on 2025-07-30.